The following is an entry in ClinVar:

NM_005120.3(MED12):c.5539C>T (p.Pro1847Ser)

Gene: MED12 (mediator complex subunit 12; plus strand). Cytogenetic location: Xq13.1.
Variant type: single nucleotide variant.
Coding change: c.5539C>T on transcript NM_005120.3 (MANE Select); coding-DNA position 5539, C replaced by T.
Protein change: p.Pro1847Ser; replaces proline 1847 with serine.
Molecular consequence: missense variant.
Genome position (GRCh38, 1-based): chrX:71,137,017, C>T. VCF-style: chrX-71137017-C-T. GRCh37 (hg19) VCF-style: chrX-70356867-C-T.
Other names: short protein forms P1847S.
Identifiers: ClinVar variation 4539916 (VCV004539916.2).

ClinVar aggregate classification (germline): Uncertain significance (1 of 4 stars; one submission).

Submission:

GeneDx
Classification: Uncertain significance. Last evaluated: 2026-01-21. Review status: criteria provided, single submitter. Criteria: GeneDx Variant Classification Process June 2021. Collection method: clinical testing. Allele origin: germline.
Comment: Not observed at significant frequency in large population cohorts (gnomAD); In silico analysis suggests that this missense variant does not alter protein structure/function; Has not been previously published as pathogenic or benign to our knowledge